The following is an entry in ClinVar:

ClinVar aggregate classification (germline): Pathogenic (1 of 4 stars; one submission).

Conditions:
Hereditary breast ovarian cancer syndrome. Also called: Hereditary breast and ovarian cancer syndrome; Hereditary breast and ovarian cancer; Hereditary breast and/or ovarian cancer syndrome; Hereditary breast and ovarian cancer syndrome (HBOC); Breast and ovarian cancer; BRCA1- and BRCA2-Associated Hereditary Breast and Ovarian Cancer. Identifiers: Orphanet 145, MedGen C0677776, MeSH D061325, MONDO:0003582. Disease mechanism: loss of function.

Submission:

Labcorp Genetics (formerly Invitae), Labcorp
Classification: Pathogenic for Hereditary breast ovarian cancer syndrome. Last evaluated: 2019-06-27. Review status: criteria provided, single submitter. Criteria: Invitae Variant Classification Sherloc (09022015). Collection method: clinical testing. Allele origin: germline.
Comment: This variant is a deletion of the genomic region encompassing part of exon 7 (c.518_631+462del) of the BRCA2 gene. It is expected to disrupt RNA splicing and likely results in an absent or disrupted protein product. While this variant has not been reported in the literature, several splice site variants affecting the donor splice site of intron 7 have been observed in individuals affected with Fanconi anemia as compound heterozygous with other pathogenic BRCA2 mutations (PMID: 24301060, 15645491, 15070707) as well as in a family with breast/ovarian cancer (PMID: 18821011). Loss-of-function variants in BRCA2 are known to be pathogenic (PMID: 20104584). For these reasons, this variant has been classified as Pathogenic.

Literature cited by the submitters: PubMed 24301060; PubMed 15645491; PubMed 15070707; PubMed 18821011; PubMed 20104584.

NC_000013.10:g.(?_32900616)_(32900770_?)del

Gene: BRCA2 (BRCA2 DNA repair associated; plus strand). Cytogenetic location: 13q13.1.
Variant type: Deletion.
Identifiers: ClinVar variation 2422265 (VCV002422265.5).